The following is an entry in ClinVar:

ClinVar aggregate classification (germline): Uncertain significance (1 of 4 stars; one submission).

Conditions:
Hereditary cancer-predisposing syndrome. Also called: Neoplastic Syndromes, Hereditary; Tumor predisposition; Hereditary Cancer Syndrome; Hereditary neoplastic syndrome. Identifiers: Orphanet 140162, MedGen C0027672, MeSH D009386, MONDO:0015356.

gnomAD v4.1: 2 of 1,614,168 alleles (0.00012%); highest among the groups gnomAD compares: Non-Finnish European, 0.00017%; no homozygotes.

Submission:

Ambry Genetics
Classification: Uncertain significance for Hereditary cancer-predisposing syndrome. Last evaluated: 2025-10-09. Review status: criteria provided, single submitter. Criteria: Ambry Variant Classification Scheme 2023. Collection method: clinical testing. Allele origin: germline.
Comment: The p.D428E variant (also known as c.1284C>G), located in coding exon 9 of the PTCH1 gene, results from a C to G substitution at nucleotide position 1284. The aspartic acid at codon 428 is replaced by glutamic acid, an amino acid with highly similar properties. This amino acid position is conserved. In addition, this alteration is predicted to be tolerated by in silico analysis. Based on the available evidence, the clinical significance of this variant remains unclear.

NM_000264.5(PTCH1):c.1284C>G (p.Asp428Glu)

Gene: PTCH1 (patched 1; minus strand). Cytogenetic location: 9q22.32.
Variant type: single nucleotide variant.
Coding change: c.1284C>G on transcript NM_000264.5 (MANE Select); coding-DNA position 1284, C replaced by G.
Protein change: p.Asp428Glu; replaces aspartic acid 428 with glutamic acid.
Molecular consequence: missense variant. On other transcripts: non-coding transcript variant (1).
Genome position (GRCh38, 1-based): chr9:95,478,118, G>C on the plus strand (C>G on the coding strand, the complement: PTCH1 is on the minus strand). VCF-style: chr9-95478118-G-C. GRCh37 (hg19) VCF-style: chr9-98240400-G-C.
Other names: c.1086C>G, p.Asp362Glu (NM_001083602.3); c.1281C>G, p.Asp427Glu (NM_001083603.3); c.831C>G, p.Asp277Glu (NM_001083604.3, NM_001083605.3, NM_001083606.3 and 1 more transcripts); c.1284C>G, p.Asp428Glu (NM_001354918.2); short protein forms D277E, D362E, D428E, D427E.
Identifiers: ClinVar variation 4675564 (VCV004675564.1).